The following is an entry in ClinVar:

ClinVar aggregate classification (germline): Uncertain significance (1 of 4 stars; one submission).

Submission:

GeneDx
Classification: Uncertain significance. Last evaluated: 2025-01-15. Review status: criteria provided, single submitter. Criteria: GeneDx Variant Classification Process June 2021. Collection method: clinical testing. Allele origin: germline. Affected: yes.
Comment: Not observed at significant frequency in large population cohorts (gnomAD); In silico analysis supports that this missense variant has a deleterious effect on protein structure/function; Has not been previously published as pathogenic or benign to our knowledge

NM_013275.6(ANKRD11):c.2249A>G (p.Glu750Gly)

Gene: ANKRD11 (ankyrin repeat domain containing 11; minus strand). Cytogenetic location: 16q24.3.
Variant type: single nucleotide variant.
Coding change: c.2249A>G on transcript NM_013275.6 (MANE Select); coding-DNA position 2249, A replaced by G.
Protein change: p.Glu750Gly; replaces glutamic acid 750 with glycine.
Molecular consequence: missense variant.
Genome position (GRCh38, 1-based): chr16:89,284,293, T>C on the plus strand (A>G on the coding strand, the complement: ANKRD11 is on the minus strand). VCF-style: chr16-89284293-T-C. GRCh37 (hg19) VCF-style: chr16-89350701-T-C.
Other names: c.2249A>G, p.Glu750Gly (NM_001256182.2, NM_001256183.2); short protein forms E750G.
Identifiers: ClinVar variation 4070709 (VCV004070709.1).